The following is an entry in ClinVar:

NM_004130.4(GYG1):c.14C>T (p.Ala5Val)

Gene: GYG1 (glycogenin 1; plus strand). Cytogenetic location: 3q24.
Variant type: single nucleotide variant.
Coding change: c.14C>T on transcript NM_004130.4 (MANE Select); coding-DNA position 14, C replaced by T.
Protein change: p.Ala5Val; replaces alanine 5 with valine.
Molecular consequence: missense variant.
Genome position (GRCh38, 1-based): chr3:148,994,148, C>T. VCF-style: chr3-148994148-C-T. GRCh37 (hg19) VCF-style: chr3-148711935-C-T.
Other names: c.14C>T, p.Ala5Val (NM_001184720.2, NM_001184721.2); short protein forms A5V.
Identifiers: ClinVar variation 3251193 (VCV003251193.18), dbSNP rs370928738.

ClinVar aggregate classification (germline): Uncertain significance (1 of 4 stars; one submission).

Allele frequency attached by ClinVar (database versions not stated): gnomAD 0.00003.
gnomAD v4.1: 6 of 1,613,064 alleles (0.00037%); highest among the groups gnomAD compares: Admixed American, 0.0083%; no homozygotes.

Submission:

CeGaT Center for Human Genetics Tuebingen
Classification: Uncertain significance. Last evaluated: 2024-06-01. Review status: criteria provided, single submitter. Criteria: CeGaT Center For Human Genetics Tuebingen Variant Classification Criteria Version 2. Collection method: clinical testing. Allele origin: germline. Affected: yes. Observed: 1 variant allele.
Comment: GYG1: PM2